The following is an entry in ClinVar:

ClinVar aggregate classification (germline): Uncertain significance (1 of 4 stars; one submission).

Conditions:
Martsolf syndrome (MARTS). Also called: Congenital cataract with intellectual disability and hypogonadotropic hypogonadism syndrome. Identifiers: Orphanet 1387, MedGen C0796037, MONDO:0023910.
Warburg micro syndrome 2 (WARBM2). Also called: MICRO SYNDROME 2. Identifiers: Orphanet 2510, MedGen C3280214, MONDO:0013641, OMIM 614225.

Allele frequency attached by ClinVar (database versions not stated): gnomAD 0.00001.
gnomAD v4.1: 3 of 1,613,040 alleles (0.00019%); highest among the groups gnomAD compares: Non-Finnish European, 0.00025%; no homozygotes.

Submission:

Labcorp Genetics (formerly Invitae), Labcorp
Classification: Uncertain significance for Martsolf syndrome; Warburg micro syndrome 2. Last evaluated: 2022-08-12. Review status: criteria provided, single submitter. Criteria: Invitae Variant Classification Sherloc (09022015). Collection method: clinical testing. Allele origin: germline.
Comment: This sequence change replaces glutamine, which is neutral and polar, with lysine, which is basic and polar, at codon 58 of the RAB3GAP2 protein (p.Gln58Lys). This variant is not present in population databases (gnomAD no frequency). This variant has not been reported in the literature in individuals affected with RAB3GAP2-related conditions. Algorithms developed to predict the effect of missense changes on protein structure and function (SIFT, PolyPhen-2, Align-GVGD) all suggest that this variant is likely to be tolerated. In summary, the available evidence is currently insufficient to determine the role of this variant in disease. Therefore, it has been classified as a Variant of Uncertain Significance.

NM_012414.4(RAB3GAP2):c.172C>A (p.Gln58Lys)

Gene: RAB3GAP2 (RAB3 GTPase activating non-catalytic protein subunit 2; minus strand). Cytogenetic location: 1q41.
Variant type: single nucleotide variant.
Coding change: c.172C>A on transcript NM_012414.4 (MANE Select); coding-DNA position 172, C replaced by A.
Protein change: p.Gln58Lys; replaces glutamine 58 with lysine.
Molecular consequence: missense variant.
Genome position (GRCh38, 1-based): chr1:220,232,807, G>T on the plus strand (C>A on the coding strand, the complement: RAB3GAP2 is on the minus strand). VCF-style: chr1-220232807-G-T. GRCh37 (hg19) VCF-style: chr1-220406149-G-T.
Other names: short protein forms Q58K.
Identifiers: ClinVar variation 1977040 (VCV001977040.4), dbSNP rs1243139709, ClinGen allele CA344731668.